The following is an entry in ClinVar:

NM_000396.4(CTSK):c.658A>T (p.Lys220Ter)

Gene: CTSK (cathepsin K; minus strand). Cytogenetic location: 1q21.3.
Variant type: single nucleotide variant.
Coding change: c.658A>T on transcript NM_000396.4 (MANE Select); coding-DNA position 658, A replaced by T.
Protein change: p.Lys220Ter; replaces lysine 220 with a stop codon.
Molecular consequence: nonsense.
Genome position (GRCh38, 1-based): chr1:150,799,670, T>A on the plus strand (A>T on the coding strand, the complement: CTSK is on the minus strand). VCF-style: chr1-150799670-T-A. GRCh37 (hg19) VCF-style: chr1-150772146-T-A.
Other names: short protein forms K220*.
Identifiers: ClinVar variation 1724741 (VCV001724741.8), dbSNP rs1225660627, ClinGen allele CA342336214.

ClinVar aggregate classification (germline): Pathogenic/Likely pathogenic. Review status: criteria provided, multiple submitters, no conflicts (2 of 4 stars). 3 submissions from 3 submitters: Pathogenic (1); Likely pathogenic (2). Last evaluated 2023-04-11.

Conditions:
Pyknodysostosis. Also called: Pycnodysostosis. Identifiers: Orphanet 763, MedGen C0238402, MONDO:0009940, OMIM 265800.

Submissions (3):

Genome-Nilou Lab
Classification: Likely pathogenic for Pyknodysostosis. Last evaluated: 2023-04-11. Review status: criteria provided, single submitter. Criteria: ACMG Guidelines, 2015. Collection method: clinical testing. Allele origin: germline. Affected: no.

Labcorp Genetics (formerly Invitae), Labcorp
Classification: Pathogenic. Last evaluated: 2022-08-22. Review status: criteria provided, single submitter. Criteria: Invitae Variant Classification Sherloc (09022015). Collection method: clinical testing. Allele origin: germline.
Comment: For these reasons, this variant has been classified as Pathogenic. This variant has not been reported in the literature in individuals affected with CTSK-related conditions. This variant is not present in population databases (gnomAD no frequency). This sequence change creates a premature translational stop signal (p.Lys220*) in the CTSK gene. It is expected to result in an absent or disrupted protein product. Loss-of-function variants in CTSK are known to be pathogenic (PMID: 12125807, 21569238).

Myriad Genetics, Inc.
Classification: Likely pathogenic for Pyknodysostosis. Last evaluated: 2022-02-25. Review status: criteria provided, single submitter. Criteria: Myriad Women's Health Autosomal Recessive and X-Linked Classification Criteria (2021). Collection method: clinical testing. Allele origin: unknown.
Comment: NM_000396.3(CTSK):c.658A>T(K220*) is expected to be pathogenic in the context of pycnodysostosis. This variant is predicted to lead to an abnormal or absent protein product due to the creation of a premature termination codon in CTSK, a gene where loss-of-function variants are known to be pathogenic. Please note: this variant was assessed in the context of healthy population screening.

Literature cited by the submitters: PubMed 12125807 (cited by Labcorp Genetics (formerly Invitae), Labcorp); PubMed 21569238 (cited by Labcorp Genetics (formerly Invitae), Labcorp).